The following is an entry in ClinVar:

NM_004380.3(CREBBP):c.3983-8C>T

Gene: CREBBP (CREB binding protein; minus strand). Cytogenetic location: 16p13.3.
Variant type: single nucleotide variant.
Coding change: c.3983-8C>T on transcript NM_004380.3 (MANE Select); 8 bases into the intron before coding-DNA position 3983, C replaced by T.
Molecular consequence: intron variant.
Genome position (GRCh38, 1-based): chr16:3,740,557, G>A on the plus strand (C>T on the coding strand, the complement: CREBBP is on the minus strand). VCF-style: chr16-3740557-G-A. GRCh37 (hg19) VCF-style: chr16-3790558-G-A.
Other names: c.3869-8C>T (NM_001079846.1).
Identifiers: ClinVar variation 3063736 (VCV003063736.1), dbSNP rs2151341418, ClinGen allele CA2731838904.

ClinVar aggregate classification (germline): Uncertain significance (1 of 4 stars; one submission).

Submission:

Women's Health and Genetics/Laboratory Corporation of America, LabCorp
Classification: Uncertain significance. Last evaluated: 2024-01-31. Review status: criteria provided, single submitter. Criteria: LabCorp Variant Classification Summary - May 2015. Collection method: clinical testing. Allele origin: germline.
Comment: Variant summary: CREBBP c.3983-8C>T alters a non-conserved nucleotide located close to a canonical splice site and therefore could affect mRNA splicing, leading to a significantly altered protein sequence. Consensus agreement among computation tools predict no significant impact on normal splicing. However, these predictions have yet to be confirmed by functional studies. The variant was absent in 251318 control chromosomes. The available data on variant occurrences in the general population are insufficient to allow any conclusion about variant significance. To our knowledge, no occurrence of c.3983-8C>T in individuals affected with Rubinstein-Taybi Syndrome and no experimental evidence demonstrating its impact on protein function have been reported. No submitters have cited clinical-significance assessments for this variant to ClinVar. Based on the evidence outlined above, the variant was classified as uncertain significance.